The following is an entry in ClinVar:

NM_001754.5(RUNX1):c.45dup (p.Cys16fs)

Gene: RUNX1 (RUNX family transcription factor 1; minus strand). Cytogenetic location: 21q22.12.
Variant type: Duplication.
Coding change: c.45dup on transcript NM_001754.5 (MANE Select); coding-DNA position 45, one base duplicated (G; older notation c.45dupG).
Protein change: p.Cys16fs; shifts the reading frame from cysteine 16.
Molecular consequence: frameshift variant.
Genome position (GRCh38, 1-based): chr21:35,048,855, C duplicated on the plus strand (G on the coding strand, the reverse complement: RUNX1 is on the minus strand). VCF-style (leftmost placement, unchanged base first): chr21-35048854-A-AC. GRCh37 (hg19) VCF-style: chr21-36421151-A-AC.
Other names: NM_001754.5(RUNX1):c.45dup; p.Cys16fs; short protein forms C16fs.
Identifiers: ClinVar variation 840868 (VCV000840868.8), dbSNP rs2059419230, ClinGen allele CA916081958.
Genomic context (GRCh38, chr21:35,048,854, plus strand): 5'-AGGCAAAGCTGAGCAAAAGTAGATATTACAAGACCAGCATGTACTCACCTCTCATGAAGC[A>AC]CTGTGGGTACGAAGGAAATGACTCAAATATGCTGTCTGAAGCCATCGCTTCCTCCTGAAA-3'

ClinVar aggregate classification (germline): Uncertain significance. Review status: reviewed by expert panel (3 of 4 stars). 2 submissions from 2 submitters: Uncertain significance (1). 1 of the submissions does not count toward it. Last evaluated 2024-07-11.

Conditions:
Hereditary thrombocytopenia and hematologic cancer predisposition syndrome. Identifiers: Orphanet 71290, MedGen CN281654, MONDO:0011071.
Hereditary thrombocytopenia and hematological cancer predisposition syndrome associated with RUNX1. Also called: PLATELET DISORDER, ASPIRIN-LIKE; Familial Platelet Disorder with Propensity to Acute Myelogenous Leukemia; Familial thrombocytopenia with propensity to acute myelogenous leukemia; RUNX1 Familial Platelet Disorder with Associated Myeloid Malignancies. Identifiers: Orphanet 71290, MedGen C1832388, MeSH C563324, MONDO:0100083, OMIM 601399.

Submissions (2):

ClinGen Myeloid Malignancy Variant Curation Expert Panel
Classification: Uncertain significance for Hereditary thrombocytopenia and hematologic cancer predisposition syndrome. Last evaluated: 2024-07-11. Review status: reviewed by expert panel. Criteria: ClinGen MyeloMalig ACMG Specifications v2. Collection method: curation. Allele origin: germline. Inheritance: Autosomal dominant inheritance.
Comment: NM_001754.5(RUNX1):c.45dup (p.Cys16fs) is a frameshift variant in an exon which is absent from RUNX1 isoform a and b (c.1-c.97 as per VCEP specifications) (PVS1_NA). This variant is completely absent from all population databases with at least 20x coverage for RUNX1 (PM2_supporting). In summary, the clinical significance of this variant is uncertain. ACMG/AMP criteria applied, as specified by the Myeloid Malignancy Variant Curation Expert Panel for RUNX1: PM2_supporting.

Labcorp Genetics (formerly Invitae), Labcorp
Classification: Uncertain significance for Hereditary thrombocytopenia and hematological cancer predisposition syndrome associated with RUNX1. Last evaluated: 2022-06-16. Review status: criteria provided, single submitter. Criteria: Invitae Variant Classification Sherloc (09022015). Collection method: clinical testing. Allele origin: germline. Not counted in ClinVar's aggregate classification.
Comment: Algorithms developed to predict the effect of sequence changes on RNA splicing suggest that this variant may create or strengthen a splice site. This variant is not present in population databases (gnomAD no frequency). This variant has not been reported in the literature in individuals affected with RUNX1-related conditions. ClinVar contains an entry for this variant (Variation ID: 840868). In summary, the available evidence is currently insufficient to determine the role of this variant in disease. Therefore, it has been classified as a Variant of Uncertain Significance. This sequence change creates a premature translational stop signal (p.Cys16Valfs*14) in the RUNX1 gene. However, it is currently unclear if variants that occur in this region of the gene cause disease.